The following is an entry in ClinVar:

ClinVar aggregate classification (germline): Uncertain significance. Review status: criteria provided, multiple submitters, no conflicts (2 of 4 stars). 2 submissions from 2 submitters: Uncertain significance (2). Last evaluated 2023-02-23.

Conditions:
Hereditary cancer-predisposing syndrome. Also called: Hereditary Cancer Syndrome; Hereditary neoplastic syndrome; Neoplastic Syndromes, Hereditary; Tumor predisposition. Identifiers: Orphanet 140162, MedGen C0027672, MeSH D009386, MONDO:0015356.
Bloom syndrome (BLM). Also called: Bloom-Torre-Machacek syndrome. Identifiers: Orphanet 125, MedGen C0005859, MONDO:0008876, OMIM 210900.

Allele frequency attached by ClinVar (database versions not stated): gnomAD exomes below 0.00001 and 0.00001.
gnomAD v4.1: 5 of 1,595,274 alleles (0.00031%); highest among the groups gnomAD compares: South Asian, 0.0055%; no homozygotes.

Submissions (2):

Labcorp Genetics (formerly Invitae), Labcorp
Classification: Uncertain significance for Bloom syndrome. Last evaluated: 2023-02-23. Review status: criteria provided, single submitter. Criteria: Invitae Variant Classification Sherloc (09022015). Collection method: clinical testing. Allele origin: germline.
Comment: In summary, the available evidence is currently insufficient to determine the role of this variant in disease. Therefore, it has been classified as a Variant of Uncertain Significance. Algorithms developed to predict the effect of sequence changes on RNA splicing suggest that this variant may create or strengthen a splice site. An algorithm developed to predict the effect of missense changes on protein structure and function (PolyPhen-2) suggests that this variant is likely to be disruptive. ClinVar contains an entry for this variant (Variation ID: 1691988). This variant has not been reported in the literature in individuals affected with BLM-related conditions. This variant is present in population databases (no rsID available, gnomAD 0.006%). This sequence change replaces glycine, which is neutral and non-polar, with valine, which is neutral and non-polar, at codon 692 of the BLM protein (p.Gly692Val).

Sema4
Classification: Uncertain significance for Hereditary cancer-predisposing syndrome. Last evaluated: 2022-03-10. Review status: criteria provided, single submitter. Criteria: Sema4 Curation Guidelines. Collection method: curation. Allele origin: germline.
Comment: The BLM c.2075G>T (p.G692V) variant has not been reported in the literature to our knowledge. This variant was observed in 2/30614 chromosomes in the South Asian population, according to the population database Genome Aggregation Database (PMID: 32461654). The variant has not been reported in ClinVar. In silico tools suggest the impact of the variant on protein function is deleterious, though these predictions have not been confirmed by functional studies. The evidence is insufficient to meet ACMG/AMP criteria for classifying the variant as benign or pathogenic. Thus, the clinical significance of this variant is currently uncertain.

NM_000057.4(BLM):c.2075G>T (p.Gly692Val)

Gene: BLM (BLM RecQ like helicase; plus strand). Cytogenetic location: 15q26.1.
Variant type: single nucleotide variant.
Coding change: c.2075G>T on transcript NM_000057.4 (MANE Select); coding-DNA position 2075, G replaced by T.
Protein change: p.Gly692Val; replaces glycine 692 with valine.
Molecular consequence: missense variant.
Genome position (GRCh38, 1-based): chr15:90,765,296, G>T. VCF-style: chr15-90765296-G-T. GRCh37 (hg19) VCF-style: chr15-91308526-G-T.
Other names: c.2075G>T, p.Gly692Val (NM_001287246.2, NM_001287247.2); c.950G>T, p.Gly317Val (NM_001287248.2); short protein forms G317V, G692V.
Identifiers: ClinVar variation 1691988 (VCV001691988.4), dbSNP rs1200392081, ClinGen allele CA393844509.
Genomic context (GRCh38, chr15:90,765,296, plus strand): 5'-TTTTACATTCATGCTCTGAAGACAGAACCTGACAGATATTTTTTCATTGTTCTCTTTCAG[G>T]AGGTGGTAAGAGTTTGTGTTACCAGCTCCCTGCCTGTGTTTCTCCTGGGGTCACTGTTGT-3'
Protein context (NP_000048.1, residues 682-702): GEDCFILMPT[Gly692Val]GGKSLCYQLP